The following is an entry in ClinVar:

NM_004006.3(DMD):c.3109G>T (p.Val1037Phe)

Gene: DMD (dystrophin; minus strand). Cytogenetic location: Xp21.1.
Variant type: single nucleotide variant.
Coding change: c.3109G>T on transcript NM_004006.3 (MANE Select); coding-DNA position 3109, G replaced by T.
Protein change: p.Val1037Phe; replaces valine 1037 with phenylalanine.
Molecular consequence: missense variant.
Genome position (GRCh38, 1-based): chrX:32,468,551, C>A on the plus strand (G>T on the coding strand, the complement: DMD is on the minus strand). VCF-style: chrX-32468551-C-A. GRCh37 (hg19) VCF-style: chrX-32486668-C-A.
Other names: c.3085G>T, p.Val1029Phe (NM_000109.4); c.3097G>T, p.Val1033Phe (NM_004009.3); c.2740G>T, p.Val914Phe (NM_004010.3); c.3109G>T (NM_004006.2); short protein forms V1037F, V1033F, V914F, V1029F.
Identifiers: ClinVar variation 1425350 (VCV001425350.7), dbSNP rs2040291471, ClinGen allele CA412666852.

ClinVar aggregate classification (germline): Conflicting classifications of pathogenicity. Review status: criteria provided, conflicting classifications (1 of 4 stars). 2 submissions from 2 submitters: Uncertain significance (1); Likely benign (1). Last evaluated 2025-04-02.

Conditions:
Duchenne muscular dystrophy (DMD). Also called: MUSCULAR DYSTROPHY, PSEUDOHYPERTROPHIC PROGRESSIVE, DUCHENNE TYPE; Duchenne Muscular Dystrophy (DMD). Identifiers: Orphanet 98896, MedGen C0013264, MONDO:0010679, OMIM 310200.
Cardiovascular phenotype. Identifiers: MedGen CN230736.

Allele frequency attached by ClinVar (database versions not stated): TOPMed below 0.00001.

Submissions (2):

Ambry Genetics
Classification: Likely benign for Cardiovascular phenotype. Last evaluated: 2025-04-02. Review status: criteria provided, single submitter. Criteria: Ambry Variant Classification Scheme 2023. Collection method: clinical testing. Allele origin: germline.

Labcorp Genetics (formerly Invitae), Labcorp
Classification: Uncertain significance for Duchenne muscular dystrophy. Last evaluated: 2021-05-13. Review status: criteria provided, single submitter. Criteria: Invitae Variant Classification Sherloc (09022015). Collection method: clinical testing. Allele origin: germline.
Comment: In summary, the available evidence is currently insufficient to determine the role of this variant in disease. Therefore, it has been classified as a Variant of Uncertain Significance. Algorithms developed to predict the effect of missense changes on protein structure and function (SIFT, PolyPhen-2, Align-GVGD) all suggest that this variant is likely to be tolerated, but these predictions have not been confirmed by published functional studies and their clinical significance is uncertain. This variant has not been reported in the literature in individuals with DMD-related conditions. This variant is not present in population databases (ExAC no frequency). This sequence change replaces valine with phenylalanine at codon 1037 of the DMD protein (p.Val1037Phe). The valine residue is moderately conserved and there is a small physicochemical difference between valine and phenylalanine.